The following is an entry in ClinVar:

NM_002709.3(PPP1CB):c.938G>A (p.Arg313His)

Gene: PPP1CB (protein phosphatase 1 catalytic subunit beta; plus strand). Cytogenetic location: 2p23.2.
Variant type: single nucleotide variant.
Coding change: c.938G>A on transcript NM_002709.3 (MANE Select); coding-DNA position 938, G replaced by A.
Protein change: p.Arg313His; replaces arginine 313 with histidine.
Molecular consequence: missense variant.
Genome position (GRCh38, 1-based): chr2:28,799,257, G>A. VCF-style: chr2-28799257-G-A. GRCh37 (hg19) VCF-style: chr2-29022123-G-A.
Other names: c.938G>A, p.Arg313His (NM_206876.2); short protein forms R313H.
Identifiers: ClinVar variation 4700400 (VCV004700400.1).
Genomic context (GRCh38, chr2:28,799,257, plus strand): 5'-AGATATTGAAACCATCTGAAAAGAAAGCTAAATACCAGTATGGTGGACTGAATTCTGGAC[G>A]TCCTGTCACTCCACCTCGAACAGCTAATCCGCCGAAGAAAAGGTGAAGAAAGGAATTCTG-3'
Protein context (NP_002700.1, residues 303-323): KYQYGGLNSG[Arg313His]PVTPPRTANP

ClinVar aggregate classification (germline): Uncertain significance (1 of 4 stars; one submission).

gnomAD v4.1: 4 of 1,611,258 alleles (0.00025%); highest among the groups gnomAD compares: Non-Finnish European, 0.00034%; no homozygotes.

Submission:

Labcorp Genetics (formerly Invitae), Labcorp
Classification: Uncertain significance. Last evaluated: 2025-12-28. Review status: criteria provided, single submitter. Criteria: Invitae Variant Classification Sherloc (09022015). Collection method: clinical testing. Allele origin: germline.
Comment: This sequence change replaces arginine, which is basic and polar, with histidine, which is basic and polar, at codon 313 of the PPP1CB protein (p.Arg313His). This variant is not present in population databases (gnomAD no frequency). This variant has not been reported in the literature in individuals affected with PPP1CB-related conditions. An algorithm developed to predict the effect of missense changes on protein structure and function (PolyPhen-2) suggests that this variant is likely to be tolerated. In summary, the available evidence is currently insufficient to determine the role of this variant in disease. Therefore, it has been classified as a Variant of Uncertain Significance.